The following is an entry in ClinVar:

ClinVar aggregate classification (germline): Uncertain significance (1 of 4 stars; one submission).

Allele frequency attached by ClinVar (database versions not stated): gnomAD exomes below 0.00001.
gnomAD v4.1: 2 of 1,609,448 alleles (0.00012%); highest among the groups gnomAD compares: Non-Finnish European, 0.00017%; no homozygotes.

Submission:

Labcorp Genetics (formerly Invitae), Labcorp
Classification: Uncertain significance. Last evaluated: 2022-03-13. Review status: criteria provided, single submitter. Criteria: Invitae Variant Classification Sherloc (09022015). Collection method: clinical testing. Allele origin: germline.
Comment: This variant is not present in population databases (gnomAD no frequency). In summary, the available evidence is currently insufficient to determine the role of this variant in disease. Therefore, it has been classified as a Variant of Uncertain Significance. Advanced modeling of protein sequence and biophysical properties (such as structural, functional, and spatial information, amino acid conservation, physicochemical variation, residue mobility, and thermodynamic stability) performed at Invitae indicates that this missense variant is not expected to disrupt COL11A1 protein function. This variant has not been reported in the literature in individuals affected with COL11A1-related conditions. This sequence change replaces glycine, which is neutral and non-polar, with aspartic acid, which is acidic and polar, at codon 418 of the COL11A1 protein (p.Gly418Asp).

NM_001854.4(COL11A1):c.1253G>A (p.Gly418Asp)

Gene: COL11A1 (collagen type XI alpha 1 chain; minus strand). Cytogenetic location: 1p21.1.
Variant type: single nucleotide variant.
Coding change: c.1253G>A on transcript NM_001854.4 (MANE Select); coding-DNA position 1253, G replaced by A.
Protein change: p.Gly418Asp; replaces glycine 418 with aspartic acid.
Molecular consequence: missense variant. On other transcripts: non-coding transcript variant (1).
Genome position (GRCh38, 1-based): chr1:103,021,762, C>T on the plus strand (G>A on the coding strand, the complement: COL11A1 is on the minus strand). VCF-style: chr1-103021762-C-T. GRCh37 (hg19) VCF-style: chr1-103487318-C-T.
Other names: c.905G>A, p.Gly302Asp (NM_001168249.1, NM_080630.4); c.1136G>A, p.Gly379Asp (NM_001190709.2); c.1289G>A, p.Gly430Asp (NM_080629.3); short protein forms G418D, G379D, G430D, G302D.
Identifiers: ClinVar variation 2086751 (VCV002086751.4), dbSNP rs2525567183, ClinGen allele CA341181707.
Genomic context (GRCh38, chr1:103,021,762, plus strand): 5'-CTTACAGGCTCAACCACTGCTGGTTCTCCTTTCTGTCCTTTCTCTCCATATGCACCATGG[C>T]CATTTATCTGTTGAATGAAATATTCAAAACAGCCTAAATGTCTGTAAGACCATTTCTTTC-3'
Protein context (NP_001845.3, residues 408-428): ETDITETSIN[Gly418Asp]HGAYGEKGQK